The following is an entry in ClinVar:

NM_017612.5(ZCCHC8):c.1618G>A (p.Asp540Asn)

Gene: ZCCHC8 (zinc finger CCHC-type containing 8; minus strand). Cytogenetic location: 12q24.31.
Variant type: single nucleotide variant.
Coding change: c.1618G>A on transcript NM_017612.5 (MANE Select); coding-DNA position 1618, G replaced by A.
Protein change: p.Asp540Asn; replaces aspartic acid 540 with asparagine.
Molecular consequence: missense variant.
Genome position (GRCh38, 1-based): chr12:122,474,003, C>T on the plus strand (G>A on the coding strand, the complement: ZCCHC8 is on the minus strand). VCF-style: chr12-122474003-C-T. GRCh37 (hg19) VCF-style: chr12-122958550-C-T.
Other names: c.1618G>A (NM_017612.3); c.1387G>A, p.Asp463Asn (NM_001350935.2); c.1321G>A, p.Asp441Asn (NM_001350936.2); c.904G>A, p.Asp302Asn (NM_001350937.2, NM_001350938.2); short protein forms D302N, D441N, D540N, D463N.
Identifiers: ClinVar variation 1914997 (VCV001914997.7), dbSNP rs772602978, ClinGen allele CA6846126.

ClinVar aggregate classification (germline): Uncertain significance. Review status: criteria provided, multiple submitters, no conflicts (2 of 4 stars). 3 submissions from 3 submitters: Uncertain significance (3). Last evaluated 2025-03-10.

Allele frequency attached by ClinVar (database versions not stated): TOPMed 0.00003; gnomAD 0.00004; ExAC 0.00005.
gnomAD v4.1: 39 of 1,566,852 alleles (0.0025%); highest among the groups gnomAD compares: East Asian, 0.013%; no homozygotes.

Submissions (3):

Labcorp Genetics (formerly Invitae), Labcorp
Classification: Uncertain significance. Last evaluated: 2025-03-10. Review status: criteria provided, single submitter. Criteria: Invitae Variant Classification Sherloc (09022015). Collection method: clinical testing. Allele origin: germline.
Comment: This sequence change replaces aspartic acid, which is acidic and polar, with asparagine, which is neutral and polar, at codon 540 of the ZCCHC8 protein (p.Asp540Asn). This variant is present in population databases (rs772602978, gnomAD 0.03%). This variant has not been reported in the literature in individuals affected with ZCCHC8-related conditions. ClinVar contains an entry for this variant (Variation ID: 1914997). Invitae Evidence Modeling of protein sequence and biophysical properties (such as structural, functional, and spatial information, amino acid conservation, physicochemical variation, residue mobility, and thermodynamic stability) indicates that this missense variant is expected to disrupt ZCCHC8 protein function with a positive predictive value of 80%. In summary, the available evidence is currently insufficient to determine the role of this variant in disease. Therefore, it has been classified as a Variant of Uncertain Significance.

Ambry Genetics
Classification: Uncertain significance. Last evaluated: 2024-08-19. Review status: criteria provided, single submitter. Criteria: Ambry Variant Classification Scheme 2023. Collection method: clinical testing. Allele origin: germline.

GeneDx
Classification: Uncertain significance. Last evaluated: 2022-04-13. Review status: criteria provided, single submitter. Criteria: GeneDx Variant Classification Process June 2021. Collection method: clinical testing. Allele origin: germline. Affected: yes.
Comment: Has not been previously published as pathogenic or benign to our knowledge; Variants in candidate genes are classified as variants of uncertain significance in accordance with ACMG guidelines (Richards et al., 2015); In silico analysis supports that this missense variant has a deleterious effect on protein structure/function